The following is an entry in ClinVar:

ClinVar aggregate classification (germline): Likely benign. Review status: criteria provided, multiple submitters, no conflicts (2 of 4 stars). 3 submissions from 3 submitters: Likely benign (2). 1 of the submissions does not count toward it. Last evaluated 2026-07-01.

Conditions:
VARS1-related disorder. Also called: VARS1-related condition.

Allele frequency attached by ClinVar (database versions not stated): gnomAD 0.00001; ExAC 0.00002; gnomAD exomes 0.00002; TOPMed 0.00002.
gnomAD v4.1: 38 of 1,614,038 alleles (0.0024%); highest among the groups gnomAD compares: Middle Eastern, 0.049%; no homozygotes.

Submissions (3):

CeGaT Center for Human Genetics Tuebingen
Classification: Likely benign. Last evaluated: 2026-07-01. Review status: criteria provided, single submitter. Criteria: CeGaT Center For Human Genetics Tuebingen Variant Classification Criteria Version 2. Collection method: clinical testing. Allele origin: germline. Affected: yes. Observed: 1 variant allele.
Comment: VARS1: BP4

Blueprint Genetics
Classification: Likely benign. Last evaluated: 2024-10-07. Review status: criteria provided, single submitter. Criteria: ACMG Guidelines, 2015. Collection method: clinical testing. Allele origin: germline.

PreventionGenetics, part of Exact Sciences
Classification: Likely benign for VARS1-related condition. Last evaluated: 2019-02-27. Review status: no assertion criteria provided. Collection method: clinical testing. Allele origin: germline. Not counted in ClinVar's aggregate classification.
Comment: This variant is classified as likely benign based on ACMG/AMP sequence variant interpretation guidelines (Richards et al. 2015 PMID: 25741868, with internal and published modifications).

NM_006295.3(VARS1):c.2719-5T>C

Gene: VARS1 (valyl-tRNA synthetase 1; minus strand). Cytogenetic location: 6p21.33.
Variant type: single nucleotide variant.
Coding change: c.2719-5T>C on transcript NM_006295.3 (MANE Select); 5 bases into the intron before coding-DNA position 2719, T replaced by C.
Molecular consequence: intron variant.
Genome position (GRCh38, 1-based): chr6:31,780,788, A>G on the plus strand (T>C on the coding strand, the complement: VARS1 is on the minus strand). VCF-style: chr6-31780788-A-G. GRCh37 (hg19) VCF-style: chr6-31748565-A-G.
Identifiers: ClinVar variation 3052046 (VCV003052046.4), dbSNP rs768271792, ClinGen allele CA3722863.
Genomic context (GRCh38, chr6:31,780,788, plus strand): 5'-CCAAACCGGAGAGCATCGGTGCCACATTCAGGAATCCCCGCTGGGAAGTCAGCTTTCTAC[A>G]GGGAAGAGGCAGGGGGAGGAGCGTCCTCAGCCAGCCCCATCCACGCTGTGCTCCTGCTTA-3'